The following is an entry in ClinVar:

NM_001037333.3(CYFIP2):c.476T>G (p.Leu159Arg)

Gene: CYFIP2 (cytoplasmic FMR1 interacting protein 2; plus strand). Cytogenetic location: 5q33.3.
Variant type: single nucleotide variant.
Coding change: c.476T>G on transcript NM_001037333.3 (MANE Select); coding-DNA position 476, T replaced by G.
Protein change: p.Leu159Arg; replaces leucine 159 with arginine.
Molecular consequence: missense variant.
Genome position (GRCh38, 1-based): chr5:157,300,803, T>G. VCF-style: chr5-157300803-T-G. GRCh37 (hg19) VCF-style: chr5-156727811-T-G.
Other names: c.398T>G, p.Leu133Arg (NM_001291721.2); c.476T>G, p.Leu159Arg (NM_001291722.2, NM_014376.4); short protein forms L159R, L133R.
Identifiers: ClinVar variation 2007261 (VCV002007261.4), dbSNP rs2532306283, ClinGen allele CA361966511.

ClinVar aggregate classification (germline): Uncertain significance (1 of 4 stars; one submission).

Submission:

Labcorp Genetics (formerly Invitae), Labcorp
Classification: Uncertain significance. Last evaluated: 2022-06-15. Review status: criteria provided, single submitter. Criteria: Invitae Variant Classification Sherloc (09022015). Collection method: clinical testing. Allele origin: germline.
Comment: This variant is not present in population databases (gnomAD no frequency). This sequence change replaces leucine, which is neutral and non-polar, with arginine, which is basic and polar, at codon 159 of the CYFIP2 protein (p.Leu159Arg). In summary, the available evidence is currently insufficient to determine the role of this variant in disease. Therefore, it has been classified as a Variant of Uncertain Significance. Algorithms developed to predict the effect of missense changes on protein structure and function are either unavailable or do not agree on the potential impact of this missense change (SIFT: "Deleterious"; PolyPhen-2: "Not Available"; Align-GVGD: "Class C0"). This variant has not been reported in the literature in individuals affected with CYFIP2-related conditions.